The following is an entry in ClinVar:

ClinVar aggregate classification (germline): Pathogenic. Review status: criteria provided, multiple submitters, no conflicts (2 of 4 stars). 3 submissions from 3 submitters: Pathogenic (2). 1 of the submissions does not count toward it. Last evaluated 2022-08-05.

Conditions:
Kleefstra syndrome 1 (KLEFS1). Identifiers: Orphanet 261494, MedGen C0795833, MONDO:0027407, OMIM 610253.

Submissions (3):

Labcorp Genetics (formerly Invitae), Labcorp
Classification: Pathogenic for Kleefstra syndrome 1. Last evaluated: 2022-08-05. Review status: criteria provided, single submitter. Criteria: Invitae Variant Classification Sherloc (09022015). Collection method: clinical testing. Allele origin: germline.
Comment: This sequence change creates a premature translational stop signal (p.Val955Argfs*221) in the EHMT1 gene. It is expected to result in an absent or disrupted protein product. Loss-of-function variants in EHMT1 are known to be pathogenic (PMID: 16826528, 19264732). For these reasons, this variant has been classified as Pathogenic. This premature translational stop signal has been observed in individual(s) with Kleefstra syndrome (PMID: 22670141). This variant is not present in population databases (gnomAD no frequency).

Laboratory of Genetics, Children's Clinical University Hospital Latvia
Classification: Pathogenic for Kleefstra syndrome 1. Review status: criteria provided, single submitter. Criteria: ACMG Guidelines, 2015. Collection method: curation. Allele origin: germline. Affected: yes.
Comment: Inheritance unknown

GeneReviews
No classification provided. Condition: Kleefstra syndrome 1. Review status: no classification provided. Collection method: literature only. Allele origin: unknown. Not counted in ClinVar's aggregate classification.

Literature cited by the submitters: PubMed 16826528 (cited by Labcorp Genetics (formerly Invitae), Labcorp); PubMed 19264732 (cited by Labcorp Genetics (formerly Invitae), Labcorp); PubMed 22670141 (cited by Labcorp Genetics (formerly Invitae), Labcorp); PubMed 39013458 (cited by Laboratory of Genetics, Children's Clinical University Hospital Latvia); PubMed 20945554 (cited by GeneReviews); NCBI Bookshelf NBK47079 (cited by GeneReviews).

NM_024757.5(EHMT1):c.2863_2864del (p.Val955fs)

Gene: EHMT1 (euchromatic histone lysine methyltransferase 1; plus strand). Cytogenetic location: 9q34.3.
Variant type: Microsatellite.
Coding change: c.2863_2864del on transcript NM_024757.5 (MANE Select); coding-DNA positions 2863 to 2864, 2 bases deleted (GT; older notation c.2863_2864delGT).
Protein change: p.Val955fs; shifts the reading frame from valine 955.
Molecular consequence: frameshift variant.
Genome position (GRCh38, 1-based): chr9:137,811,611-137,811,612, GT deleted; deleting any 2 consecutive bases within chr9:137,811,608-137,811,612 gives the same sequence; the c. name uses the placement nearest the transcript's 3' end. VCF-style (leftmost placement, unchanged base first): chr9-137811607-CTG-C. GRCh37 (hg19) VCF-style: chr9-140706059-CTG-C.
Other names: c.2842_2843del, p.Val948fs (NM_001354263.2); short protein forms V948fs, V955fs.
Identifiers: ClinVar variation 65732 (VCV000065732.9), dbSNP rs137852721, ClinGen allele CA345057.